The following is an entry in ClinVar:

NM_000092.5(COL4A4):c.3643C>G (p.Pro1215Ala)

Gene: COL4A4 (collagen type IV alpha 4 chain; minus strand). Cytogenetic location: 2q36.3.
Variant type: single nucleotide variant.
Coding change: c.3643C>G on transcript NM_000092.5 (MANE Select); coding-DNA position 3643, C replaced by G.
Protein change: p.Pro1215Ala; replaces proline 1215 with alanine.
Molecular consequence: missense variant.
Genome position (GRCh38, 1-based): chr2:227,032,211, G>C on the plus strand (C>G on the coding strand, the complement: COL4A4 is on the minus strand). VCF-style: chr2-227032211-G-C. GRCh37 (hg19) VCF-style: chr2-227896927-G-C.
Other names: short protein forms P1215A.
Identifiers: ClinVar variation 1723554 (VCV001723554.2), dbSNP rs765071781, ClinGen allele CA350837842.
Genomic context (GRCh38, chr2:227,032,211, plus strand): 5'-GGGGTCCTGGGGGACCTTTCTTTCCACGAGGACCTGGAGGAGAGATTCCTGGGCTCCCAG[G>C]GTCTCCTCTCTCCCCTTTTAGCCCAGGTATTCCCACTGGACCAGGTGGCCCCACATCATG-3'
Protein context (NP_000083.3, residues 1205-1225): IPGLKGERGD[Pro1215Ala]GSPGISPPGP

ClinVar aggregate classification (germline): Uncertain significance (1 of 4 stars; one submission).

Submission:

GeneDx
Classification: Uncertain significance. Last evaluated: 2022-05-06. Review status: criteria provided, single submitter. Criteria: GeneDx Variant Classification Process June 2021. Collection method: clinical testing. Allele origin: germline. Affected: yes.
Comment: Not observed at significant frequency in large population cohorts (gnomAD); In silico analysis supports that this missense variant has a deleterious effect on protein structure/function; Occurs in the triple helical domain at the Y position in the canonical Gly-X-Y repeat; although this variant may have an effect on normal protein folding and function, missense substitution at the Y position is not a common mechanism of disease; Has not been previously published as pathogenic or benign to our knowledge